The following is an entry in ClinVar:

NM_000102.4(CYP17A1):c.675dup (p.Asn226fs)

Genes: CYP17A1-AS1 (CYP17A1 antisense RNA 1; plus strand), CYP17A1 (cytochrome P450 family 17 subfamily A member 1; minus strand). Cytogenetic location: 10q24.32.
Variant type: Duplication.
Coding change: c.675dup on transcript NM_000102.4 (MANE Select); coding-DNA position 675, one base duplicated (C; older notation c.675dupC).
Protein change: p.Asn226fs; shifts the reading frame from asparagine 226.
Molecular consequence: frameshift variant.
Genome position (GRCh38, 1-based): chr10:102,834,114, G duplicated on the plus strand (C on the coding strand, the reverse complement: CYP17A1 is on the minus strand); the first of 4 consecutive G bases (chr10:102,834,114-102,834,117); duplicating any one gives the same sequence. VCF-style (leftmost placement, unchanged base first): chr10-102834113-T-TG. GRCh37 (hg19) VCF-style: chr10-104593870-T-TG.
Other names: c.675dupC (NM_000102.3); short protein forms N226fs.
Identifiers: ClinVar variation 838889 (VCV000838889.12), dbSNP rs1458440922, ClinGen allele CA595636720.
Genomic context (GRCh38, chr10:102,834,113, plus strand): 5'-TTTTATTCAGCAGATCATTTCGTATTTTAACATGGCTCTTTAATTTTTCCAGGGTTTTGT[T>TG]GGGGAAAATCTGGGAAATAAAAAGAAATGTTAAATCCACCCTTCTTCCATTTTGCTTCTC-3'

ClinVar aggregate classification (germline): Pathogenic/Likely pathogenic. Review status: criteria provided, multiple submitters, no conflicts (2 of 4 stars). 3 submissions from 3 submitters: Pathogenic (1); Likely pathogenic (1). 1 of the submissions does not count toward it. Last evaluated 2025-12-08.

Conditions:
Deficiency of steroid 17-alpha-monooxygenase. Also called: ADRENAL HYPERPLASIA V; Congenital adrenal hyperplasia due to 17-alpha-hydroxylase deficiency; Congenital adrenal hyperplasia type 5; 17-ALPHA-HYDROXYLASE DEFICIENCY; 17-alpha-hydroxylase/17,20-lyase deficiency. Identifiers: Orphanet 90793, MedGen C0268285, MONDO:0008730, OMIM 202110.
CYP17A1-related disorder. Also called: CYP17A1-related condition.

Submissions (3):

Natera, Inc.
Classification: Likely pathogenic for Deficiency of steroid 17-alpha-monooxygenase. Last evaluated: 2025-12-08. Review status: criteria provided, single submitter. Criteria: Natera Variant Classification Schema (03/2026). Collection method: clinical testing. Allele origin: germline.
Comment: The c.675dupC variant in CYP17A1 is a frameshift variant predicted to shift the reading frame beginning at codon 226 and leads to a stop codon 12 codons downstream. This variant is expected to result in nonsense mediated decay, truncation, or a dysfunctional protein product. This variant is rare in the general population with a frequency below the threshold expected for the associated phenotype(s). Given the available evidence, this variant is classified as Likely Pathogenic.

Labcorp Genetics (formerly Invitae), Labcorp
Classification: Pathogenic. Last evaluated: 2023-10-20. Review status: criteria provided, single submitter. Criteria: Invitae Variant Classification Sherloc (09022015). Collection method: clinical testing. Allele origin: germline.
Comment: This sequence change creates a premature translational stop signal (p.Asn226Glnfs*12) in the CYP17A1 gene. It is expected to result in an absent or disrupted protein product. Loss-of-function variants in CYP17A1 are known to be pathogenic (PMID: 10720067, 14747197, 17192295, 20197673, 24140098). This variant is present in population databases (no rsID available, gnomAD 0.009%). This variant has not been reported in the literature in individuals affected with CYP17A1-related conditions. ClinVar contains an entry for this variant (Variation ID: 838889). For these reasons, this variant has been classified as Pathogenic.

PreventionGenetics, part of Exact Sciences
Classification: Likely pathogenic for CYP17A1-related condition. Last evaluated: 2023-11-13. Review status: no assertion criteria provided. Collection method: clinical testing. Allele origin: germline. Not counted in ClinVar's aggregate classification.
Comment: The CYP17A1 c.675dupC variant is predicted to result in a frameshift and premature protein termination (p.Asn226Glnfs*12). To our knowledge, this variant has not been reported in the literature. This variant is reported in 0.0087% of alleles in individuals of Latino descent in gnomAD. Frameshift variants in CYP17A1 are expected to be pathogenic. This variant is interpreted as likely pathogenic.

Literature cited by the submitters: PubMed 10720067 (cited by Labcorp Genetics (formerly Invitae), Labcorp); PubMed 14747197 (cited by Labcorp Genetics (formerly Invitae), Labcorp); PubMed 17192295 (cited by Labcorp Genetics (formerly Invitae), Labcorp); PubMed 20197673 (cited by Labcorp Genetics (formerly Invitae), Labcorp); PubMed 24140098 (cited by Labcorp Genetics (formerly Invitae), Labcorp).